The following is an entry in ClinVar:

NM_001199753.2(CPT1C):c.2334G>C (p.Glu778Asp)

Gene: CPT1C (carnitine palmitoyltransferase 1C; plus strand). Cytogenetic location: 19q13.33.
Variant type: single nucleotide variant.
Coding change: c.2334G>C on transcript NM_001199753.2 (MANE Select); coding-DNA position 2334, G replaced by C.
Protein change: p.Glu778Asp; replaces glutamic acid 778 with aspartic acid.
Molecular consequence: missense variant. On other transcripts: non-coding transcript variant (1).
Genome position (GRCh38, 1-based): chr19:49,713,527, G>C. VCF-style: chr19-49713527-G-C. GRCh37 (hg19) VCF-style: chr19-50216784-G-C.
Other names: c.2301G>C, p.Glu767Asp (NM_001136052.3, NM_001378485.1); c.2334G>C, p.Glu778Asp (NM_001199752.3, NM_001378483.1, NM_001378484.1 and 1 more transcripts); c.2400G>C, p.Glu800Asp (NM_001378482.1); c.2199G>C, p.Glu733Asp (NM_001378486.1, NM_001378488.1); c.2166G>C, p.Glu722Asp (NM_001378487.1); short protein forms E722D, E733D, E767D, E778D, E800D.
Identifiers: ClinVar variation 3068941 (VCV003068941.3), dbSNP rs775816343, ClinGen allele CA9582505.

ClinVar aggregate classification (germline): Uncertain significance. Review status: criteria provided, multiple submitters, no conflicts (2 of 4 stars). 2 submissions from 2 submitters: Uncertain significance (2). Last evaluated 2024-02-06.

Conditions:
Hereditary spastic paraplegia. Also called: Familial spastic paraparesis. Identifiers: Orphanet 685, MedGen C0037773, MONDO:0019064. Disease mechanism: loss of function.

Allele frequency attached by ClinVar (database versions not stated): TOPMed 0.00003; gnomAD 0.00004; gnomAD exomes 0.00005; ExAC 0.00010.
gnomAD v4.1: 79 of 1,614,092 alleles (0.0049%); highest among the groups gnomAD compares: Middle Eastern, 0.033%; no homozygotes.

Submissions (2):

Women's Health and Genetics/Laboratory Corporation of America, LabCorp
Classification: Uncertain significance. Last evaluated: 2024-02-06. Review status: criteria provided, single submitter. Criteria: LabCorp Variant Classification Summary - May 2015. Collection method: clinical testing. Allele origin: germline.
Comment: Variant summary: CPT1C c.2301G>C (p.Glu767Asp) results in a conservative amino acid change in the encoded protein sequence. Five of five in-silico tools predict a benign effect of the variant on protein function. The variant allele was found at a frequency of 8.8e-05 in 251366 control chromosomes (gnomAD). To our knowledge, no occurrence of c.2301G>C in individuals affected with Hereditary Spastic Paraplegia 73 and no experimental evidence demonstrating its impact on protein function have been reported. No submitters have cited clinical-significance assessments for this variant to ClinVar. Based on the evidence outlined above, the variant was classified as uncertain significance.

Department of Pathology and Laboratory Medicine, Sinai Health System
Classification: Uncertain significance for hereditary spastic paraplegia. Last evaluated: 2022-02-28. Review status: criteria provided, single submitter. Criteria: ACMG Guidelines, 2015. Collection method: research. Allele origin: germline.